The following is an entry in ClinVar:

NM_016222.4(DDX41):c.544A>G (p.Ser182Gly)

Gene: DDX41 (DEAD-box helicase 41; minus strand). Cytogenetic location: 5q35.3.
Variant type: single nucleotide variant.
Coding change: c.544A>G on transcript NM_016222.4 (MANE Select); coding-DNA position 544, A replaced by G.
Protein change: p.Ser182Gly; replaces serine 182 with glycine.
Molecular consequence: missense variant.
Genome position (GRCh38, 1-based): chr5:177,515,712, T>C on the plus strand (A>G on the coding strand, the complement: DDX41 is on the minus strand). VCF-style: chr5-177515712-T-C. GRCh37 (hg19) VCF-style: chr5-176942713-T-C.
Other names: c.166A>G, p.Ser56Gly (NM_001321732.2, NM_001321830.2); short protein forms S56G, S182G.
Identifiers: ClinVar variation 5035183 (VCV005035183.1).

ClinVar aggregate classification (germline): Uncertain significance (1 of 4 stars; one submission).

Conditions:
Inborn genetic diseases. Identifiers: MedGen C0950123, MeSH D030342.

Submission:

Ambry Genetics
Classification: Uncertain significance for Inborn genetic diseases. Last evaluated: 2026-09-08. Review status: criteria provided, single submitter. Criteria: Ambry Variant Classification Scheme 2023. Collection method: clinical testing. Allele origin: germline.
Comment: The p.S182G variant (also known as c.544A>G), located in coding exon 6 of the DDX41 gene, results from an A to G substitution at nucleotide position 544. The serine at codon 182 is replaced by glycine, an amino acid with similar properties. This amino acid position is conserved. In addition, this alteration is predicted to be tolerated by in silico analysis. Based on the available evidence, the clinical significance of this variant remains unclear.